The following is an entry in ClinVar:

ClinVar aggregate classification (germline): Pathogenic (1 of 4 stars; one submission).

Conditions:
Early-infantile DEE. Also called: Early infantile epileptic encephalopathy; Ohtahara syndrome; Early infantile epileptic encephalopathy with suppression bursts. Identifiers: Orphanet 1934, MedGen C0393706, MONDO:0800491.

Submission:

Labcorp Genetics (formerly Invitae), Labcorp
Classification: Pathogenic for Early-infantile DEE. Last evaluated: 2021-06-03. Review status: criteria provided, single submitter. Criteria: Invitae Variant Classification Sherloc (09022015). Collection method: clinical testing. Allele origin: germline.
Comment: For these reasons, this variant has been classified as Pathogenic. Advanced modeling of protein sequence and biophysical properties (such as structural, functional, and spatial information, amino acid conservation, physicochemical variation, residue mobility, and thermodynamic stability) performed at Invitae indicates that this missense variant is expected to disrupt SCN1A protein function. This variant has been observed in individual(s) with SCN1A-related conditions (Invitae). In at least one individual the variant was observed to be de novo. This variant is not present in population databases (ExAC no frequency). This sequence change replaces tyrosine with aspartic acid at codon 83 of the SCN1A protein (p.Tyr83Asp). The tyrosine residue is highly conserved and there is a large physicochemical difference between tyrosine and aspartic acid.

NM_001165963.4(SCN1A):c.247T>G (p.Tyr83Asp)

Gene: SCN1A (sodium voltage-gated channel alpha subunit 1; minus strand). Cytogenetic location: 2q24.3.
Variant type: single nucleotide variant.
Coding change: c.247T>G on transcript NM_001165963.4 (MANE Select); coding-DNA position 247, T replaced by G.
Protein change: p.Tyr83Asp; replaces tyrosine 83 with aspartic acid.
Molecular consequence: missense variant. On other transcripts: 5 prime UTR variant (1), non-coding transcript variant (1).
Genome position (GRCh38, 1-based): chr2:166,073,375, A>C on the plus strand (T>G on the coding strand, the complement: SCN1A is on the minus strand). VCF-style: chr2-166073375-A-C. GRCh37 (hg19) VCF-style: chr2-166929885-A-C.
Other names: c.247T>G, p.Tyr83Asp (NM_001165964.3, NM_001202435.3, NM_001353948.2 and 10 more transcripts); c.-2179T>G (NM_001353961.2); short protein forms Y83D.
Identifiers: ClinVar variation 1456878 (VCV001456878.9), dbSNP rs1362796016, ClinGen allele CA349242667.
Genomic context (GRCh38, chr2:166,073,375, plus strand): 5'-GTAGGCAATTAGCAGCAAAATATGCCTGATAAAAAACACTCACTTTCTTATTGATATAGT[A>C]GGGGTCCAGGTCCTCCAGGGGCTCTGACACCATCTCTGGAGGAATGTCTCCATAAATAAA-3'
Protein context (NP_001159435.1, residues 73-93): VSEPLEDLDP[Tyr83Asp]YINKKTFIVL